The following is an entry in ClinVar:

ClinVar aggregate classification (germline): Uncertain significance (1 of 4 stars; one submission).

Submission:

Ambry Genetics
Classification: Uncertain significance. Last evaluated: 2023-04-07. Review status: criteria provided, single submitter. Criteria: Ambry Variant Classification Scheme 2023. Collection method: clinical testing. Allele origin: germline.
Comment: The p.R1944S variant (also known as c.5832G>C), located in coding exon 18 of the POLQ gene, results from a G to C substitution at nucleotide position 5832. The arginine at codon 1944 is replaced by serine, an amino acid with dissimilar properties. This amino acid position is conserved. In addition, this alteration is predicted to be tolerated by in silico analysis. Since supporting evidence is limited at this time, the clinical significance of this alteration remains unclear.

NM_199420.4(POLQ):c.5832G>C (p.Arg1944Ser)

Gene: POLQ (DNA polymerase theta; minus strand). Cytogenetic location: 3q13.33.
Variant type: single nucleotide variant.
Coding change: c.5832G>C on transcript NM_199420.4 (MANE Select); coding-DNA position 5832, G replaced by C.
Protein change: p.Arg1944Ser; replaces arginine 1944 with serine.
Molecular consequence: missense variant.
Genome position (GRCh38, 1-based): chr3:121,483,524, C>G on the plus strand (G>C on the coding strand, the complement: POLQ is on the minus strand). VCF-style: chr3-121483524-C-G. GRCh37 (hg19) VCF-style: chr3-121202371-C-G.
Other names: short protein forms R1944S.
Identifiers: ClinVar variation 2563792 (VCV002563792.2), dbSNP rs2546781784, ClinGen allele CA354088699.